The following is an entry in ClinVar:

ClinVar aggregate classification (germline): Conflicting classifications of pathogenicity. Review status: criteria provided, conflicting classifications (1 of 4 stars). 6 submissions from 5 submitters: Uncertain significance (4); Likely benign (2). Last evaluated 2026-08-03.

Conditions:
Inborn genetic diseases. Identifiers: MedGen C0950123, MeSH D030342.
Asphyxiating thoracic dystrophy 4 (SRTD4). Also called: SHORT-RIB THORACIC DYSPLASIA 4 WITH OR WITHOUT POLYDACTYLY; SHORT-RIB THORACIC DYSPLASIA 4. Identifiers: Orphanet 474, MedGen C3151185, MONDO:0013441, OMIM 613819.
Nephronophthisis 12 (NPHP12). Identifiers: Orphanet 655, MedGen C3151186, MONDO:0013442, OMIM 613820.
TTC21B-related disorder. Also called: TTC21B-related disorders; TTC21B-related condition.
Nephronophthisis. Also called: Juvenile Nephronophthisis. Identifiers: Orphanet 655, MedGen C0687120, MONDO:0019005, HP:0000090.
Jeune thoracic dystrophy. Also called: Short-rib thoracic dysplasia; Jeune syndrome; Infantile thoracic dystrophy; Thoracic pelvic phalangeal dystrophy; Jeune's syndrome; Chondroectodermal dysplasia-like syndrome. Identifiers: Orphanet 474, MedGen C0265275, MONDO:0018770.

Allele frequency attached by ClinVar (database versions not stated): TOPMed 0.00013; gnomAD 0.00016; gnomAD exomes 0.00020; ExAC 0.00021.
gnomAD v4.1: 49 of 1,612,704 alleles (0.003%); highest among the groups gnomAD compares: East Asian, 0.094%; no homozygotes.

Submissions (6):

PreventionGenetics, part of Exact Sciences
Classification: Uncertain significance for TTC21B-related condition. Last evaluated: 2026-08-03. Review status: criteria provided, single submitter. Criteria: ACMG Guidelines, 2015. Collection method: clinical testing. Allele origin: germline.
Comment: The TTC21B c.785A>T variant is predicted to result in the amino acid substitution p.Asp262Val. To our knowledge, this variant has not been reported in the literature. This variant was reported in 0.28% of alleles in individuals of East Asian descent in gnomAD v2. However, in gnomAD v4 (available only on GRCh38), this variant is reported in 0.09% of alleles in individuals of East Asian descent, including 0 homozygotes. This population data is not consistent with this variant being a primary cause of disease. Although we suspect that this variant may be benign, at this time, the clinical significance of this variant is uncertain due to the absence of conclusive functional and genetic evidence.

Labcorp Genetics (formerly Invitae), Labcorp
Classification: Likely benign for Jeune thoracic dystrophy; Nephronophthisis. Last evaluated: 2025-06-12. Review status: criteria provided, single submitter. Criteria: Invitae Variant Classification Sherloc (09022015). Collection method: clinical testing. Allele origin: germline.

Ambry Genetics
Classification: Uncertain significance for Inborn genetic diseases. Last evaluated: 2025-05-18. Review status: criteria provided, single submitter. Criteria: Ambry Variant Classification Scheme 2023. Collection method: clinical testing. Allele origin: germline.

Blueprint Genetics
Classification: Likely benign. Last evaluated: 2024-05-21. Review status: criteria provided, single submitter. Criteria: ACMG Guidelines, 2015. Collection method: clinical testing. Allele origin: germline.

Illumina Laboratory Services, Illumina
Classification: Uncertain significance for Asphyxiating thoracic dystrophy 4. Last evaluated: 2018-01-13. Review status: criteria provided, single submitter. Criteria: ICSL Variant Classification Criteria 13 December 2019. Collection method: clinical testing. Allele origin: germline.

Illumina Laboratory Services, Illumina
Classification: Uncertain significance for Nephronophthisis 12. Last evaluated: 2018-01-13. Review status: criteria provided, single submitter. Criteria: ICSL Variant Classification Criteria 13 December 2019. Collection method: clinical testing. Allele origin: germline.

NM_024753.5(TTC21B):c.785A>T (p.Asp262Val)

Gene: TTC21B (tetratricopeptide repeat domain 21B; minus strand). Cytogenetic location: 2q24.3.
Variant type: single nucleotide variant.
Coding change: c.785A>T on transcript NM_024753.5 (MANE Select); coding-DNA position 785, A replaced by T.
Protein change: p.Asp262Val; replaces aspartic acid 262 with valine.
Molecular consequence: missense variant.
Genome position (GRCh38, 1-based): chr2:165,932,983, T>A on the plus strand (A>T on the coding strand, the complement: TTC21B is on the minus strand). VCF-style: chr2-165932983-T-A. GRCh37 (hg19) VCF-style: chr2-166789493-T-A.
Other names: c.785A>T (NM_024753.3); short protein forms D262V.
Identifiers: ClinVar variation 698699 (VCV000698699.16), dbSNP rs756913474, ClinGen allele CA1942343.